The following is an entry in ClinVar:

NM_001605.3(AARS1):c.1398C>T (p.Asp466=)

Gene: AARS1 (alanyl-tRNA synthetase 1; minus strand). Cytogenetic location: 16q22.1.
Variant type: single nucleotide variant.
Coding change: c.1398C>T on transcript NM_001605.3 (MANE Select); coding-DNA position 1398, C replaced by T.
Protein change: p.Asp466=; no amino-acid change (aspartic acid 466 retained).
Molecular consequence: synonymous variant.
Genome position (GRCh38, 1-based): chr16:70,265,052, G>A on the plus strand (C>T on the coding strand, the complement: AARS1 is on the minus strand). VCF-style: chr16-70265052-G-A. GRCh37 (hg19) VCF-style: chr16-70298955-G-A.
Other names: c.1398C>T (NM_001605.2).
Identifiers: ClinVar variation 993999 (VCV000993999.18), dbSNP rs770132954, ClinGen allele CA8140826.

ClinVar aggregate classification (germline): Likely benign. Review status: criteria provided, multiple submitters, no conflicts (2 of 4 stars). 4 submissions from 4 submitters: Likely benign (4). Last evaluated 2026-07-15.

Conditions:
AARS1-related disorder. Also called: AARS1-related condition.
Charcot-Marie-Tooth disease type 2. Also called: Charcot-Marie-Tooth type 2. Identifiers: Orphanet 64746, MedGen C0270914, MONDO:0018993.

Allele frequency attached by ClinVar (database versions not stated): TOPMed 0.00002; gnomAD exomes below 0.00001 and 0.00002; gnomAD 0.00001; ExAC 0.00002.
gnomAD v4.1: 9 of 1,614,046 alleles (0.00056%); highest among the groups gnomAD compares: African/African-American, 0.0013%; no homozygotes.

Submissions (4):

PreventionGenetics, part of Exact Sciences
Classification: Likely benign for AARS1-related condition. Last evaluated: 2026-07-15. Review status: criteria provided, single submitter. Criteria: ACMG Guidelines, 2015. Collection method: clinical testing. Allele origin: germline.
Comment: This variant is classified as likely benign based on ACMG/AMP sequence variant interpretation guidelines (Richards et al. 2015 PMID: 25741868, with internal and published modifications).

Labcorp Genetics (formerly Invitae), Labcorp
Classification: Likely benign for Charcot-Marie-Tooth disease type 2. Last evaluated: 2025-12-14. Review status: criteria provided, single submitter. Criteria: Invitae Variant Classification Sherloc (09022015). Collection method: clinical testing. Allele origin: germline.

Women's Health and Genetics/Laboratory Corporation of America, LabCorp
Classification: Likely benign. Last evaluated: 2024-11-19. Review status: criteria provided, single submitter. Criteria: LabCorp Variant Classification Summary - May 2015. Collection method: clinical testing. Allele origin: germline.
Comment: Variant summary: AARS1 c.1398C>T alters a conserved nucleotide resulting in a synonymous change. Consensus agreement among computation tools predict no significant impact on normal splicing. However, these predictions have yet to be confirmed by functional studies. The variant allele was found at a frequency of 5.6e-06 in 1607054 control chromosomes in the gnomAD database (v4.1 dataset). The available data on variant occurrences in the general population are insufficient to allow any conclusion about variant significance. To our knowledge, no occurrence of c.1398C>T in individuals affected with Developmental and epileptic encephalopathy, 29 and no experimental evidence demonstrating its impact on protein function have been reported. ClinVar contains an entry for this variant (Variation ID: 993999). Based on the evidence outlined above, the variant was classified as likely benign.

ARUP Laboratories, Molecular Genetics and Genomics, ARUP Laboratories
Classification: Likely benign. Last evaluated: 2019-07-22. Review status: criteria provided, single submitter. Criteria: ARUP Molecular Germline Variant Investigation Process. Collection method: clinical testing. Allele origin: germline.